The following is an entry in ClinVar:

NM_001034853.2(RPGR):c.32C>A (p.Ser11Ter)

Gene: RPGR (retinitis pigmentosa GTPase regulator; minus strand). Cytogenetic location: Xp11.4.
Variant type: single nucleotide variant.
Coding change: c.32C>A on transcript NM_001034853.2 (MANE Select); coding-DNA position 32, C replaced by A.
Protein change: p.Ser11Ter; replaces serine 11 with a stop codon.
Molecular consequence: nonsense. On other transcripts: non-coding transcript variant (6).
Genome position (GRCh38, 1-based): chrX:38,323,521, G>T on the plus strand (C>A on the coding strand, the complement: RPGR is on the minus strand). VCF-style: chrX-38323521-G-T. GRCh37 (hg19) VCF-style: chrX-38182774-G-T.
Other names: c.32C>A, p.Ser11Ter (NM_000328.3, NM_001367245.1, NM_001367246.1 and 4 more transcripts); c.62C>A, p.Ser21Ter (NM_001367248.1); short protein forms S11*, S21*.
Identifiers: ClinVar variation 5015911 (VCV005015911.1).
Genomic context (GRCh38, chrX:38,323,521, plus strand): 5'-CAGAATTTACCGGGATTATTTTCAGCAAATTTACTTTTCCCAAATGTAAACACAGCACCC[G>T]AATCTGCAAATATAAGACGGTCTTTATTTTATAACTTTTACTATGTTGCCTGTTATTAAA-3'

ClinVar aggregate classification (germline): Pathogenic (1 of 4 stars; one submission).

Conditions:
RPGR-related retinopathy. Also called: RPGR retinopathy. Identifiers: MedGen CN305589, MONDO:0100437.

Submission:

Myriad Genetics, Inc.
Classification: Pathogenic for RPGR-related retinopathy. Last evaluated: 2026-05-14. Review status: criteria provided, single submitter. Criteria: Myriad Autosomal Dominant, Autosomal Recessive and X-Linked Classification Criteria (2023). Collection method: clinical testing. Allele origin: unknown.
Comment: NM_000328.2(RPGR):c.32C>A(S11*) is expected to be pathogenic in the context of X-linked retinal dystrophy, RPGR-related. This variant is predicted to lead to an abnormal or absent protein product due to the creation of a premature termination codon in RPGR, a gene where loss-of-function variants are known to be pathogenic. Please note: this variant was assessed in the context of healthy population screening.